The following is an entry in ClinVar:

ClinVar aggregate classification (germline): Uncertain significance (1 of 4 stars; one submission).

Submission:

GeneDx
Classification: Uncertain significance. Last evaluated: 2025-03-10. Review status: criteria provided, single submitter. Criteria: GeneDx Variant Classification Process June 2021. Collection method: clinical testing. Allele origin: germline. Affected: yes.
Comment: Not observed at significant frequency in large population cohorts (gnomAD); In silico analysis supports that this missense variant has a deleterious effect on protein structure/function; Has not been previously published as pathogenic or benign to our knowledge

NM_001961.4(EEF2):c.456G>T (p.Lys152Asn)

Gene: EEF2 (eukaryotic translation elongation factor 2; minus strand). Cytogenetic location: 19p13.3.
Variant type: single nucleotide variant.
Coding change: c.456G>T on transcript NM_001961.4 (MANE Select); coding-DNA position 456, G replaced by T.
Protein change: p.Lys152Asn; replaces lysine 152 with asparagine.
Molecular consequence: missense variant.
Genome position (GRCh38, 1-based): chr19:3,982,963, C>A on the plus strand (G>T on the coding strand, the complement: EEF2 is on the minus strand). VCF-style: chr19-3982963-C-A. GRCh37 (hg19) VCF-style: chr19-3982961-C-A.
Other names: short protein forms K152N.
Identifiers: ClinVar variation 4083116 (VCV004083116.1).
Genomic context (GRCh38, chr19:3,982,963, plus strand): 5'-CTCGGGCTCCAGCTGCAGCTCCAGCAGGGCGCGGTCCATCTTGTTCATCATCAGCACAGG[C>A]TTGATGCGCTCGGCAATGGCCTGCCGCAGCACTGTCTCCGTCTGCACGCACACGCCTGGG-3'
Protein context (NP_001952.1, residues 142-162): VLRQAIAERI[Lys152Asn]PVLMMNKMDR